The following is an entry in ClinVar:

ClinVar aggregate classification (germline): Uncertain significance (1 of 4 stars; one submission).

Conditions:
Gnathodiaphyseal dysplasia (GDD). Also called: GNATHODIAPHYSEAL SCLEROSIS; OSTEOGENESIS IMPERFECTA WITH UNUSUAL SKELETAL LESIONS. Identifiers: Orphanet 53697, MedGen C1833736, MONDO:0008151, OMIM 166260.
Autosomal recessive limb-girdle muscular dystrophy type 2L (LGMDR12). Also called: Limb-girdle muscular dystrophy, type 2L; MUSCULAR DYSTROPHY, LIMB-GIRDLE, AUTOSOMAL RECESSIVE 12; Limb-Girdle Muscular Dystrophy R12 Anoctamin-5-Related (LGMD-R12). Identifiers: Orphanet 206549, MedGen C1969785, MONDO:0012652, OMIM 611307.

Submission:

Labcorp Genetics (formerly Invitae), Labcorp
Classification: Uncertain significance for Autosomal recessive limb-girdle muscular dystrophy type 2L; Gnathodiaphyseal dysplasia. Last evaluated: 2025-07-18. Review status: criteria provided, single submitter. Criteria: Invitae Variant Classification Sherloc (09022015). Collection method: clinical testing. Allele origin: germline.
Comment: This sequence change falls in intron 13 of the ANO5 gene. It does not directly change the encoded amino acid sequence of the ANO5 protein. This variant is not present in population databases (gnomAD no frequency). This variant has not been reported in the literature in individuals affected with ANO5-related conditions. Algorithms developed to predict the effect of sequence changes on RNA splicing suggest that this variant may disrupt the consensus splice site. In summary, the available evidence is currently insufficient to determine the role of this variant in disease. Therefore, it has been classified as a Variant of Uncertain Significance.

NM_213599.3(ANO5):c.1333-6T>C

Gene: ANO5 (anoctamin 5; plus strand). Cytogenetic location: 11p14.3.
Variant type: single nucleotide variant.
Coding change: c.1333-6T>C on transcript NM_213599.3 (MANE Select); 6 bases into the intron before coding-DNA position 1333, T replaced by C.
Molecular consequence: intron variant.
Genome position (GRCh38, 1-based): chr11:22,257,674, T>C. VCF-style: chr11-22257674-T-C. GRCh37 (hg19) VCF-style: chr11-22279220-T-C.
Other names: c.1255-6T>C (NM_001441294.1); c.1213-6T>C (NM_001441297.1); c.1252-6T>C (NM_001441295.1); c.1291-6T>C (NM_001410963.1, NM_001441300.1); c.1177-6T>C (NM_001441298.1); c.1330-6T>C (NM_001142649.2); c.1288-6T>C (NM_001410964.1, NM_001441301.1); c.1174-6T>C (NM_001441299.1); and 1 more.
Identifiers: ClinVar variation 4785596 (VCV004785596.1).